The following is an entry in ClinVar:

ClinVar aggregate classification (germline): Likely benign (1 of 4 stars; one submission).

Submission:

CeGaT Center for Human Genetics Tuebingen
Classification: Likely benign. Last evaluated: 2025-12-01. Review status: criteria provided, single submitter. Criteria: CeGaT Center For Human Genetics Tuebingen Variant Classification Criteria Version 2. Collection method: clinical testing. Allele origin: germline. Affected: yes. Observed: 1 variant allele.
Comment: FOXC1: BP4

NM_001453.3(FOXC1):c.1651A>G (p.Ser551Gly)

Gene: FOXC1 (forkhead box C1; plus strand). Cytogenetic location: 6p25.3.
Variant type: single nucleotide variant.
Coding change: c.1651A>G on transcript NM_001453.3 (MANE Select); coding-DNA position 1651, A replaced by G.
Protein change: p.Ser551Gly; replaces serine 551 with glycine.
Molecular consequence: missense variant.
Genome position (GRCh38, 1-based): chr6:1,612,096, A>G. VCF-style: chr6-1612096-A-G. GRCh37 (hg19) VCF-style: chr6-1612331-A-G.
Other names: short protein forms S551G.
Identifiers: ClinVar variation 4682015 (VCV004682015.5).